The following is an entry in ClinVar:

NM_000132.4(F8):c.6977G>C (p.Arg2326Pro)

Gene: F8 (coagulation factor VIII; minus strand). Cytogenetic location: Xq28.
Variant type: single nucleotide variant.
Coding change: c.6977G>C on transcript NM_000132.4 (MANE Select); coding-DNA position 6977, G replaced by C.
Protein change: p.Arg2326Pro; replaces arginine 2326 with proline.
Molecular consequence: missense variant.
Genome position (GRCh38, 1-based): chrX:154,837,676, C>G on the plus strand (G>C on the coding strand, the complement: F8 is on the minus strand). VCF-style: chrX-154837676-C-G. GRCh37 (hg19) VCF-style: chrX-154065951-C-G.
Other names: c.572G>C, p.Arg191Pro (NM_019863.3); short protein forms R191P, R2326P.
Identifiers: ClinVar variation 4081668 (VCV004081668.1).
Genomic context (GRCh38, chrX:154,837,676, plus strand): 5'-TCGCAGCCCAGAACCTCCATCCTCAGGGCAATCTGGTGCACCCAACTCTGGGGGTGAATT[C>G]GAAGGTAGCGAGTCAGTAACGGTGGGTCTAGAGAGTTCACCACAGGTGTGAAGGAGTCTT-3'
Protein context (NP_000123.1, residues 2316-2336): LDPPLLTRYL[Arg2326Pro]IHPQSWVHQI

ClinVar aggregate classification (germline): Likely pathogenic (1 of 4 stars; one submission).

Conditions:
Hereditary factor VIII deficiency disease (HEMA). Also called: HEMOPHILIA, CLASSIC; AUTOSOMAL HEMOPHILIA A; Hemophilia A; Hemophilia A, congenital; HEM A; Factor 8 deficiency, congenital. Identifiers: Orphanet 98878, MedGen C0019069, MONDO:0010602, OMIM 306700.

Submission:

Myriad Genetics, Inc.
Classification: Likely pathogenic for Hereditary factor VIII deficiency disease. Last evaluated: 2025-05-02. Review status: criteria provided, single submitter. Criteria: Myriad Autosomal Dominant, Autosomal Recessive and X-Linked Classification Criteria (2023). Collection method: clinical testing. Allele origin: unknown.
Comment: NM_000132.3(F8):c.6977G>C(R2326P) is a missense variant classified as likely pathogenic in the context of hemophilia A. R2326P has been observed in cases with relevant disease (PMID: 11410838, 11754115, 16601827, 29296726). Relevant functional assessments of this variant are not available in the literature. R2326P has not been observed in referenced population frequency databases. In summary, NM_000132.3(F8):c.6977G>C(R2326P) is a missense variant that has been observed more frequently in cases with the relevant disease than in healthy populations. Please note: this variant was assessed in the context of healthy population screening.

Literature cited by the submitters: PubMed 11410838; PubMed 11754115; PubMed 16601827; PubMed 29296726.